The following is an entry in ClinVar:

ClinVar aggregate classification (germline): Uncertain significance (1 of 4 stars; one submission).

gnomAD v4.1: 1 of 1,561,266 alleles (0.000064%); highest among the groups gnomAD compares: African/African-American, 0.0014%; no homozygotes.

Submission:

GeneDx
Classification: Uncertain significance. Last evaluated: 2022-12-09. Review status: criteria provided, single submitter. Criteria: GeneDx Variant Classification Process June 2021. Collection method: clinical testing. Allele origin: germline. Affected: yes.
Comment: In silico analysis supports that this missense variant does not alter protein structure/function; Has not been previously published as pathogenic or benign to our knowledge

NM_001128228.3(TPRN):c.863C>A (p.Ser288Tyr)

Gene: TPRN (taperin; minus strand). Cytogenetic location: 9q34.3.
Variant type: single nucleotide variant.
Coding change: c.863C>A on transcript NM_001128228.3 (MANE Select); coding-DNA position 863, C replaced by A.
Protein change: p.Ser288Tyr; replaces serine 288 with tyrosine.
Molecular consequence: missense variant.
Genome position (GRCh38, 1-based): chr9:137,199,849, G>T on the plus strand (C>A on the coding strand, the complement: TPRN is on the minus strand). VCF-style: chr9-137199849-G-T. GRCh37 (hg19) VCF-style: chr9-140094301-G-T.
Other names: short protein forms S288Y.
Identifiers: ClinVar variation 2505053 (VCV002505053.1), dbSNP rs749999995, ClinGen allele CA375779389.